The following is an entry in ClinVar:

ClinVar aggregate classification (germline): Pathogenic (1 of 4 stars; one submission).

Conditions:
Hereditary spastic paraplegia 49 (HSAN9). Also called: TECPR2-Related Hereditary Sensory and Autonomic Neuropathy with Intellectual Disability; NEUROPATHY, HEREDITARY SENSORY AND AUTONOMIC, TYPE IX, WITH DEVELOPMENTAL DELAY; Spastic paraplegia 49, autosomal recessive. Identifiers: Orphanet 320385, MedGen C5190860, MONDO:0014016, OMIM 615031.

Allele frequency attached by ClinVar (database versions not stated): gnomAD exomes below 0.00001.

Submission:

Labcorp Genetics (formerly Invitae), Labcorp
Classification: Pathogenic for Hereditary spastic paraplegia 49. Last evaluated: 2021-12-27. Review status: criteria provided, single submitter. Criteria: Invitae Variant Classification Sherloc (09022015). Collection method: clinical testing. Allele origin: germline.
Comment: Algorithms developed to predict the effect of sequence changes on RNA splicing suggest that this variant may disrupt the consensus splice site. This sequence change creates a premature translational stop signal (p.Val362*) in the TECPR2 gene. It is expected to result in an absent or disrupted protein product. Loss-of-function variants in TECPR2 are known to be pathogenic (PMID: 23176824, 25590979). This variant is not present in population databases (gnomAD no frequency). This variant has not been reported in the literature in individuals affected with TECPR2-related conditions. For these reasons, this variant has been classified as Pathogenic.

Literature cited by the submitters: PubMed 23176824; PubMed 25590979.

NM_014844.5(TECPR2):c.1083del (p.Thr361_Val362insTer)

Gene: TECPR2 (tectonin beta-propeller repeat containing 2; plus strand). Cytogenetic location: 14q32.31.
Variant type: Deletion.
Coding change: c.1083del on transcript NM_014844.5 (MANE Select); coding-DNA position 1083, one base deleted (A; older notation c.1083delA).
Protein change: p.Thr361_Val362insTer.
Molecular consequence: frameshift variant.
Genome position (GRCh38, 1-based): chr14:102,428,381, A deleted. VCF-style (leftmost placement, unchanged base first): chr14-102428380-CA-C. GRCh37 (hg19) VCF-style: chr14-102894717-CA-C.
Other names: c.1083del, p.Thr361_Val362insTer (NM_001172631.3).
Identifiers: ClinVar variation 2061762 (VCV002061762.4), dbSNP rs2504411130, ClinGen allele CA2580088477.